The following is an entry in ClinVar:

ClinVar aggregate classification (germline): Uncertain significance. Review status: criteria provided, single submitter (1 of 4 stars). 2 submissions from 2 submitters: Uncertain significance (1). 1 of the submissions does not count toward it. Last evaluated 2018-12-10.

Conditions:
Galactosemia. Also called: Galactose intolerance. Identifiers: Orphanet 352, MedGen C0016952, MONDO:0018116, HP:0004919. Disease mechanism: loss of function.

Submissions (2):

Women's Health and Genetics/Laboratory Corporation of America, LabCorp
Classification: Uncertain significance. Last evaluated: 2018-12-10. Review status: criteria provided, single submitter. Criteria: LabCorp Variant Classification Summary - May 2015. Collection method: clinical testing. Allele origin: germline.
Comment: Variant summary: GALT c.779_790del12 (p.His260_Arg263del) results in an in-frame deletion that is predicted to remove four amino acids from the encoded protein. The variant was absent in 245702 control chromosomes. To our knowledge, no occurrence of c.779_790del12 in individuals affected with Galactosemia and no experimental evidence demonstrating its impact on protein function have been reported. No clinical diagnostic laboratories have submitted clinical-significance assessments for this variant to ClinVar after 2014. Based on the evidence outlined above, the variant was classified as VUS-possibly pathogenic.

Natera, Inc.
Classification: Uncertain significance for Galactosemia. Last evaluated: 2021-07-29. Review status: no assertion criteria provided. Collection method: clinical testing. Allele origin: germline. Not counted in ClinVar's aggregate classification.

NM_000155.4(GALT):c.779_790del (p.His260_Arg263del)

Gene: GALT (galactose-1-phosphate uridylyltransferase; plus strand). Cytogenetic location: 9p13.3.
Variant type: Deletion.
Coding change: c.779_790del on transcript NM_000155.4 (MANE Select); coding-DNA positions 779 to 790, 12 bases deleted (ATGTGCGGCGGC).
Protein change: p.His260_Arg263del.
Molecular consequence: inframe deletion.
Genome position (GRCh38, 1-based): chr9:34,648,853-34,648,864, ATGTGCGGCGGC deleted; deleting any 12 consecutive bases within chr9:34,648,849-34,648,864 gives the same sequence; the c. name uses the placement nearest the transcript's 3' end. VCF-style (leftmost placement, unchanged base first): chr9-34648848-TCGGCATGTGCGG-T. GRCh37 (hg19) VCF-style: chr9-34648845-TCGGCATGTGCGG-T.
Other names: H260_R263del; c.452_463del, p.His151_Arg154del (NM_001258332.2).
Identifiers: ClinVar variation 25262 (VCV000025262.5), dbSNP rs111033762, ClinGen allele CA259500.